The following is an entry in ClinVar:

ClinVar aggregate classification (germline): Uncertain significance (1 of 4 stars; one submission).

Allele frequency attached by ClinVar (database versions not stated): gnomAD 0.00001; TOPMed 0.00001.
gnomAD v4.1: 5 of 1,614,020 alleles (0.00031%); highest among the groups gnomAD compares: Admixed American, 0.0017%; no homozygotes.

Submission:

Labcorp Genetics (formerly Invitae), Labcorp
Classification: Uncertain significance. Last evaluated: 2022-06-05. Review status: criteria provided, single submitter. Criteria: Invitae Variant Classification Sherloc (09022015). Collection method: clinical testing. Allele origin: germline.
Comment: In summary, the available evidence is currently insufficient to determine the role of this variant in disease. Therefore, it has been classified as a Variant of Uncertain Significance. ClinVar contains an entry for this variant (Variation ID: 1417687). Algorithms developed to predict the effect of missense changes on protein structure and function are either unavailable or do not agree on the potential impact of this missense change (SIFT: "Tolerated"; PolyPhen-2: "Possibly Damaging"; Align-GVGD: "Class C0"). This variant is not present in population databases (gnomAD no frequency). This sequence change replaces valine, which is neutral and non-polar, with methionine, which is neutral and non-polar, at codon 172 of the KCNH1 protein (p.Val172Met). This variant has not been reported in the literature in individuals affected with KCNH1-related conditions.

NM_172362.3(KCNH1):c.514G>A (p.Val172Met)

Gene: KCNH1 (potassium voltage-gated channel subfamily H member 1; minus strand). Cytogenetic location: 1q32.2.
Variant type: single nucleotide variant.
Coding change: c.514G>A on transcript NM_172362.3 (MANE Select); coding-DNA position 514, G replaced by A.
Protein change: p.Val172Met; replaces valine 172 with methionine.
Molecular consequence: missense variant.
Genome position (GRCh38, 1-based): chr1:211,082,824, C>T on the plus strand (G>A on the coding strand, the complement: KCNH1 is on the minus strand). VCF-style: chr1-211082824-C-T. GRCh37 (hg19) VCF-style: chr1-211256166-C-T.
Other names: c.514G>A, p.Val172Met (NM_002238.4); short protein forms V172M.
Identifiers: ClinVar variation 1417687 (VCV001417687.6), dbSNP rs1437000729, ClinGen allele CA344875026.